The following is an entry in ClinVar:

ClinVar aggregate classification (germline): Pathogenic (1 of 4 stars; one submission).

Conditions:
Duchenne muscular dystrophy (DMD). Also called: MUSCULAR DYSTROPHY, PSEUDOHYPERTROPHIC PROGRESSIVE, DUCHENNE TYPE; Duchenne Muscular Dystrophy (DMD). Identifiers: Orphanet 98896, MedGen C0013264, MONDO:0010679, OMIM 310200.

Submission:

Labcorp Genetics (formerly Invitae), Labcorp
Classification: Pathogenic for Duchenne muscular dystrophy. Last evaluated: 2025-10-24. Review status: criteria provided, single submitter. Criteria: Invitae Variant Classification Sherloc (09022015). Collection method: clinical testing. Allele origin: germline.
Comment: This sequence change creates a premature translational stop signal (p.Gln17Argfs*16) in the DMD gene. It is expected to result in an absent or disrupted protein product. Loss-of-function variants in DMD are known to be pathogenic (PMID: 16770791, 25007885). This variant is not present in population databases (gnomAD no frequency). This variant has not been reported in the literature in individuals affected with DMD-related conditions. For these reasons, this variant has been classified as Pathogenic.

Literature cited by the submitters: PubMed 16770791; PubMed 25007885.

NM_004006.3(DMD):c.46_49dup (p.Gln17fs)

Gene: DMD (dystrophin; minus strand). Cytogenetic location: Xp21.1.
Variant type: Duplication.
Coding change: c.46_49dup on transcript NM_004006.3 (MANE Select); coding-DNA positions 46 to 49, 4 bases duplicated (GTTC; older notation c.46_49dupGTTC).
Protein change: p.Gln17fs; shifts the reading frame from glutamine 17.
Molecular consequence: frameshift variant. On other transcripts: 5 prime UTR variant (1).
Genome position (GRCh38, 1-based): chrX:33,020,183-33,020,186, GAAC duplicated on the plus strand (GTTC on the coding strand, the reverse complement: DMD is on the minus strand). VCF-style (leftmost placement, unchanged base first): chrX-33020182-T-TGAAC. GRCh37 (hg19) VCF-style: chrX-33038299-T-TGAAC.
Other names: c.22_25dup, p.Gln9fs (NM_000109.4); c.34_37dup, p.Gln13fs (NM_004009.3); c.-324_-321dup (NM_004010.3); short protein forms Q9fs, Q17fs, Q13fs.
Identifiers: ClinVar variation 4729803 (VCV004729803.1).
Genomic context (GRCh38, chrX:33,020,182, plus strand): 5'-TAACAAACCATTCTTACCTTAGAAAATTGTGCATTTACCCATTTTGTGAATGTTTTCTTT[T>TGAAC]GAACATCTTCTCTTTCATCTAAAATGCAAAATAAAAAAATAAAAGTTAGGAAGCAACTTT-3'